The following is an entry in ClinVar:

NM_007294.4(BRCA1):c.5436A>G (p.Pro1812=)

Gene: BRCA1 (BRCA1 DNA repair associated; minus strand). Cytogenetic location: 17q21.31.
Variant type: single nucleotide variant.
Coding change: c.5436A>G on transcript NM_007294.4 (MANE Select); coding-DNA position 5436, A replaced by G.
Protein change: p.Pro1812=; no amino-acid change (proline 1812 retained).
Molecular consequence: synonymous variant. On other transcripts: missense variant (17).
Genome position (GRCh38, 1-based): chr17:43,047,674, T>C on the plus strand (A>G on the coding strand, the complement: BRCA1 is on the minus strand). VCF-style: chr17-43047674-T-C. GRCh37 (hg19) VCF-style: chr17-41199691-T-C.
Other names: c.1914A>G, p.Pro638= (NM_001408489.1, NM_001408490.1, NM_001408491.1 and 5 more transcripts); c.1911A>G, p.Pro637= (NM_001408492.1, NM_001408493.1); c.1887A>G, p.Pro629= (NM_001408494.1); c.1881A>G, p.Pro627= (NM_001408495.1); c.1863A>G, p.Pro621= (NM_001408496.1, NM_001408497.1, NM_001408498.1 and 3 more transcripts); c.1860A>G, p.Pro620= (NM_001408502.1, NM_001408503.1, NM_001408504.1); c.1857A>G, p.Pro619= (NM_001408505.1); c.1800A>G, p.Pro600= (NM_001408506.1); and 83 more; short protein forms R684G, R1746G, R1786G, R1788G, R1740G, R683G, R1745G, R1747G.
Identifiers: ClinVar variation 865506 (VCV000865506.4), dbSNP rs2050986198, ClinGen allele CA10590556.

ClinVar aggregate classification (germline): Likely benign (1 of 4 stars; one submission).

Conditions:
Hereditary cancer-predisposing syndrome. Also called: Tumor predisposition; Hereditary Cancer Syndrome; Hereditary neoplastic syndrome; Neoplastic Syndromes, Hereditary. Identifiers: Orphanet 140162, MedGen C0027672, MeSH D009386, MONDO:0015356.

Submissions (2):

Color Diagnostics, LLC DBA Color Health
Classification: Likely benign for Hereditary cancer-predisposing syndrome. Last evaluated: 2025-10-27. Review status: criteria provided, single submitter. Criteria: ACMG Guidelines, 2015. Collection method: clinical testing. Allele origin: germline.

Brotman Baty Institute, University of Washington
No classification provided (evidence only). Condition: Breast-ovarian cancer, familial 1. Review status: no classification provided. Collection method: in vitro. Allele origin: not applicable. Functional consequence: functionally_normal. Not counted in ClinVar's aggregate classification.
ClinVar note: "not provided" was previously submitted as the classification for the variant. However, the classification appeared to be based only on an observation of functional data so it was converted to no classification on 2025-07-30.